The following is an entry in ClinVar:

ClinVar aggregate classification (germline): Conflicting classifications of pathogenicity. Review status: criteria provided, conflicting classifications (1 of 4 stars). 2 submissions from 2 submitters: Likely pathogenic (1); Uncertain significance (1). Last evaluated 2026-02-10.

Conditions:
Hereditary nonpolyposis colorectal neoplasms. Identifiers: MedGen C0009405, MeSH D003123.
Hereditary cancer-predisposing syndrome. Also called: Hereditary Cancer Syndrome; Hereditary neoplastic syndrome; Neoplastic Syndromes, Hereditary; Tumor predisposition. Identifiers: Orphanet 140162, MedGen C0027672, MeSH D009386, MONDO:0015356.

Submissions (2):

Ambry Genetics
Classification: Likely pathogenic for Hereditary cancer-predisposing syndrome. Last evaluated: 2026-02-10. Review status: criteria provided, single submitter. Criteria: Ambry Variant Classification Scheme 2023. Collection method: clinical testing. Allele origin: germline.
Comment: The p.A1162P variant (also known as c.3484G>C), located in coding exon 6 of the MSH6 gene, results from a G to C substitution at nucleotide position 3484. The alanine at codon 1162 is replaced by proline, an amino acid with highly similar properties. Based on internal structural analysis, A1162P is deleterious (Ambry internal data). A variant at the same codon, p.A1162D (c.3485C>A), has been identified in multiple individuals whose Lynch syndrome-associated tumors demonstrated loss of MSH6 expression by immunohistochemistry (IHC) (Ambry internal data). This amino acid position is highly conserved in available vertebrate species. In addition, this alteration is predicted to be deleterious by in silico analysis. This variant is considered to be rare based on population cohorts in the Genome Aggregation Database (gnomAD). Based on the majority of available evidence to date, this variant is likely to be pathogenic.

Labcorp Genetics (formerly Invitae), Labcorp
Classification: Uncertain significance for Hereditary nonpolyposis colorectal neoplasms. Last evaluated: 2019-04-04. Review status: criteria provided, single submitter. Criteria: Invitae Variant Classification Sherloc (09022015). Collection method: clinical testing. Allele origin: germline.
Comment: In summary, the available evidence is currently insufficient to determine the role of this variant in disease. Therefore, it has been classified as a Variant of Uncertain Significance. An algorithm developed specifically for the MSH6 gene suggests that this missense change is likely to be deleterious (PMID: 23621914). However, this prediction has not been confirmed by published functional studies and its clinical significance is uncertain. This variant has been observed in an individual with clinical features of Lynch syndrome (PMID: 26648449). ClinVar contains an entry for this variant (Variation ID: 89397). This variant is not present in population databases (ExAC no frequency). This sequence change replaces alanine with proline at codon 1162 of the MSH6 protein (p.Ala1162Pro). The alanine residue is highly conserved and there is a small physicochemical difference between alanine and proline.

Literature cited by the submitters: PubMed 23621914 (cited by Labcorp Genetics (formerly Invitae), Labcorp); PubMed 26648449 (cited by Labcorp Genetics (formerly Invitae), Labcorp).

NM_000179.3(MSH6):c.3484G>C (p.Ala1162Pro)

Gene: MSH6 (mutS homolog 6; plus strand). Cytogenetic location: 2p16.3.
Variant type: single nucleotide variant.
Coding change: c.3484G>C on transcript NM_000179.3 (MANE Select); coding-DNA position 3484, G replaced by C.
Protein change: p.Ala1162Pro; replaces alanine 1162 with proline.
Molecular consequence: missense variant.
Genome position (GRCh38, 1-based): chr2:47,804,955, G>C. VCF-style: chr2-47804955-G-C. GRCh37 (hg19) VCF-style: chr2-48032094-G-C.
Other names: c.3094G>C, p.Ala1032Pro (NM_001281492.2); c.2578G>C, p.Ala860Pro (NM_001281493.2, NM_001281494.2); short protein forms A1162P, A860P, A1032P.
Identifiers: ClinVar variation 89397 (VCV000089397.12), dbSNP rs587779266, ClinGen allele CA013068.
Genomic context (GRCh38, chr2:47,804,955, plus strand): 5'-CTCCCTCATTCACAGGCTGGCTTATTAGCTGTAATGGCCCAGATGGGTTGTTACGTCCCT[G>C]CTGAAGTGTGCAGGCTCACACCAATTGATAGAGTGTTTACTAGACTTGGTGCCTCAGACA-3'
Protein context (NP_000170.1, residues 1152-1172): VMAQMGCYVP[Ala1162Pro]EVCRLTPIDR